The following is an entry in ClinVar:

ClinVar aggregate classification (germline): Uncertain significance (1 of 4 stars; one submission).

gnomAD v4.1: 3 of 1,608,130 alleles (0.00019%); highest among the groups gnomAD compares: South Asian, 0.0011%; no homozygotes.

Submission:

GeneDx
Classification: Uncertain significance. Last evaluated: 2025-01-06. Review status: criteria provided, single submitter. Criteria: GeneDx Variant Classification Process June 2021. Collection method: clinical testing. Allele origin: germline. Affected: yes.
Comment: Not observed at significant frequency in large population cohorts (gnomAD); In silico analysis supports that this missense variant has a deleterious effect on protein structure/function; Has not been previously published as pathogenic or benign to our knowledge

NM_007118.4(TRIO):c.4399G>A (p.Ala1467Thr)

Gene: TRIO (trio Rho guanine nucleotide exchange factor; plus strand). Cytogenetic location: 5p15.2.
Variant type: single nucleotide variant.
Coding change: c.4399G>A on transcript NM_007118.4 (MANE Select); coding-DNA position 4399, G replaced by A.
Protein change: p.Ala1467Thr; replaces alanine 1467 with threonine.
Molecular consequence: missense variant. On other transcripts: non-coding transcript variant (1).
Genome position (GRCh38, 1-based): chr5:14,397,130, G>A. VCF-style: chr5-14397130-G-A. GRCh37 (hg19) VCF-style: chr5-14397239-G-A.
Other names: short protein forms A1467T.
Identifiers: ClinVar variation 4056958 (VCV004056958.1).
Genomic context (GRCh38, chr5:14,397,130, plus strand): 5'-AAGGGAGAGATTAAAGATGGCCTGGAGGTGATGCTCAGCGTGCCGAAGCGAGCCAATGAT[G>A]CCATGCACCTCAGCATGCTGGAAGGTAAAGGACCCTCCATACCCCAGTGTGCATCTATGC-3'
Protein context (NP_009049.2, residues 1457-1477): MLSVPKRAND[Ala1467Thr]MHLSMLEGFD